The following is an entry in ClinVar:

NM_001127208.3(TET2):c.560G>A (p.Gly187Glu)

Genes: TET2 (tet methylcytosine dioxygenase 2; plus strand), TET2-AS1 (TET2 antisense RNA 1; minus strand). Cytogenetic location: 4q24.
Variant type: single nucleotide variant.
Coding change: c.560G>A on transcript NM_001127208.3 (MANE Select); coding-DNA position 560, G replaced by A.
Protein change: p.Gly187Glu; replaces glycine 187 with glutamic acid.
Molecular consequence: missense variant.
Genome position (GRCh38, 1-based): chr4:105,234,502, G>A. VCF-style: chr4-105234502-G-A. GRCh37 (hg19) VCF-style: chr4-106155659-G-A.
Other names: c.560G>A, p.Gly187Glu (NM_017628.4); short protein forms G187E.
Identifiers: ClinVar variation 4594123 (VCV004594123.1).

ClinVar aggregate classification (germline): Uncertain significance (1 of 4 stars; one submission).

Submission:

Ambry Genetics
Classification: Uncertain significance. Last evaluated: 2025-09-25. Review status: criteria provided, single submitter. Criteria: Ambry Variant Classification Scheme 2023. Collection method: clinical testing. Allele origin: germline.
Comment: The p.G187E variant (also known as c.560G>A), located in coding exon 1 of the TET2 gene, results from a G to A substitution at nucleotide position 560. The glycine at codon 187 is replaced by glutamic acid, an amino acid with similar properties. This amino acid position is conserved. In addition, this alteration is predicted to be tolerated by in silico analysis. Based on the available evidence, the clinical significance of this variant remains unclear.